The following is an entry in ClinVar:

NM_018474.6(KIZ):c.1510A>G (p.Ser504Gly)

Genes: KIZ (kizuna centrosomal protein; plus strand), KIZ-AS1 (KIZ antisense RNA 1; minus strand). Cytogenetic location: 20p11.23.
Variant type: single nucleotide variant.
Coding change: c.1510A>G on transcript NM_018474.6 (MANE Select); coding-DNA position 1510, A replaced by G.
Protein change: p.Ser504Gly; replaces serine 504 with glycine.
Molecular consequence: missense variant.
Genome position (GRCh38, 1-based): chr20:21,214,598, A>G. VCF-style: chr20-21214598-A-G. GRCh37 (hg19) VCF-style: chr20-21195236-A-G.
Other names: c.1201A>G, p.Ser401Gly (NM_001163022.3); c.1111A>G, p.Ser371Gly (NM_001163023.3); c.1363A>G, p.Ser455Gly (NM_001276389.2); c.1456A>G, p.Ser486Gly (NM_001352434.2); c.1147A>G, p.Ser383Gly (NM_001352435.2); c.1168A>G, p.Ser390Gly (NM_001352436.2); short protein forms S371G, S455G, S504G, S383G, S401G, S486G, S390G.
Identifiers: ClinVar variation 1359675 (VCV001359675.6), dbSNP rs918247211, ClinGen allele CA408490701.
Genomic context (GRCh38, chr20:21,214,598, plus strand): 5'-ACAGCATTATTGAGAAAAGCCCTTACAGAAGAGTGTGGCCGTAGGTCAGCTATTCACAGT[A>G]GTGAATCATCTTGCAGCTTGCCATCTATTCTGAATGACAATAGTGGAATAAAGGAAGCCA-3'
Protein context (NP_060944.3, residues 494-514): ECGRRSAIHS[Ser504Gly]ESSCSLPSIL

ClinVar aggregate classification (germline): Uncertain significance (1 of 4 stars; one submission).

Submission:

Labcorp Genetics (formerly Invitae), Labcorp
Classification: Uncertain significance. Last evaluated: 2025-03-10. Review status: criteria provided, single submitter. Criteria: Invitae Variant Classification Sherloc (09022015). Collection method: clinical testing. Allele origin: germline.
Comment: This sequence change replaces serine, which is neutral and polar, with glycine, which is neutral and non-polar, at codon 504 of the KIZ protein (p.Ser504Gly). This variant is not present in population databases (gnomAD no frequency). This variant has not been reported in the literature in individuals affected with KIZ-related conditions. ClinVar contains an entry for this variant (Variation ID: 1359675). Experimental studies and prediction algorithms are not available or were not evaluated, and the functional significance of this variant is currently unknown. In summary, the available evidence is currently insufficient to determine the role of this variant in disease. Therefore, it has been classified as a Variant of Uncertain Significance.